The following is an entry in ClinVar:

ClinVar aggregate classification (germline): Uncertain significance (1 of 4 stars; one submission).

Conditions:
Inborn genetic diseases. Identifiers: MedGen C0950123, MeSH D030342.

Submission:

Ambry Genetics
Classification: Uncertain significance for Inborn genetic diseases. Last evaluated: 2024-07-05. Review status: criteria provided, single submitter. Criteria: Ambry Variant Classification Scheme 2023. Collection method: clinical testing. Allele origin: germline.
Comment: The c.2266G>A (p.A756T) alteration is located in exon 15 (coding exon 15) of the CHD5 gene. This alteration results from a G to A substitution at nucleotide position 2266, causing the alanine (A) at amino acid position 756 to be replaced by a threonine (T). This variant was not reported in population-based cohorts in the Genome Aggregation Database (gnomAD). This amino acid position is highly conserved in available vertebrate species. This alteration is predicted to be deleterious by in silico analysis. Based on insufficient or conflicting evidence, the clinical significance of this alteration remains unclear.

NM_015557.3(CHD5):c.2266G>A (p.Ala756Thr)

Gene: CHD5 (chromodomain helicase DNA binding protein 5; minus strand). Cytogenetic location: 1p36.31.
Variant type: single nucleotide variant.
Coding change: c.2266G>A on transcript NM_015557.3 (MANE Select); coding-DNA position 2266, G replaced by A.
Protein change: p.Ala756Thr; replaces alanine 756 with threonine.
Molecular consequence: missense variant.
Genome position (GRCh38, 1-based): chr1:6,142,298, C>T on the plus strand (G>A on the coding strand, the complement: CHD5 is on the minus strand). VCF-style: chr1-6142298-C-T. GRCh37 (hg19) VCF-style: chr1-6202358-C-T.
Other names: short protein forms A756T.
Identifiers: ClinVar variation 3491990 (VCV003491990.1).
Genomic context (GRCh38, chr1:6,142,298, plus strand): 5'-AGAAGTCGGGCGCCCACATCTCAAACTCGCGTTCCCAGTTGATGATGGTGGAGAGGGGCG[C>T]GCTAACCAGGTAGGGCCCTTTGGAGTGGCCCTGGAGAGAGAGGCCGATGCCGTGAGACCA-3'
Protein context (NP_056372.1, residues 746-766): GHSKGPYLVS[Ala756Thr]PLSTIINWER